The following is an entry in ClinVar:

ClinVar aggregate classification (germline): Uncertain significance (1 of 4 stars; one submission).

Conditions:
Candidiasis, familial, 9 (CANDF9). Identifiers: Orphanet 1334, MedGen C4225324, MONDO:0014642, OMIM 616445.

gnomAD v4.1: 1 of 1,593,392 alleles (0.000063%); highest among the groups gnomAD compares: Non-Finnish European, 0.000085%; no homozygotes.

Submission:

Labcorp Genetics (formerly Invitae), Labcorp
Classification: Uncertain significance for Candidiasis, familial, 9. Last evaluated: 2024-11-09. Review status: criteria provided, single submitter. Criteria: Invitae Variant Classification Sherloc (09022015). Collection method: clinical testing. Allele origin: germline.
Comment: This sequence change replaces tyrosine, which is neutral and polar, with histidine, which is basic and polar, at codon 590 of the IL17RC protein (p.Tyr590His). This variant is not present in population databases (gnomAD no frequency). This variant has not been reported in the literature in individuals affected with IL17RC-related conditions. An algorithm developed to predict the effect of missense changes on protein structure and function outputs the following: PolyPhen-2: "Benign". The histidine amino acid residue is found in multiple mammalian species, which suggests that this missense change does not adversely affect protein function. In summary, the available evidence is currently insufficient to determine the role of this variant in disease. Therefore, it has been classified as a Variant of Uncertain Significance.

NM_153460.4(IL17RC):c.1555T>C (p.Tyr519His)

Gene: IL17RC (interleukin 17 receptor C; plus strand). Cytogenetic location: 3p25.3.
Variant type: single nucleotide variant.
Coding change: c.1555T>C on transcript NM_153460.4 (MANE Select); coding-DNA position 1555, T replaced by C.
Protein change: p.Tyr519His; replaces tyrosine 519 with histidine.
Molecular consequence: missense variant. On other transcripts: non-coding transcript variant (1).
Genome position (GRCh38, 1-based): chr3:9,932,985, T>C. VCF-style: chr3-9932985-T-C. GRCh37 (hg19) VCF-style: chr3-9974669-T-C.
Other names: c.1516T>C, p.Tyr506His (NM_001203263.2); c.1465T>C, p.Tyr489His (NM_001203264.2); c.1459T>C, p.Tyr487His (NM_001203265.2); c.1477T>C, p.Tyr493His (NM_001367278.1); c.1396T>C, p.Tyr466His (NM_001367279.1); c.1471T>C, p.Tyr491His (NM_001367280.1); c.1420T>C, p.Tyr474His (NM_001410711.1); c.1510T>C, p.Tyr504His (NM_032732.6); and 1 more; short protein forms Y493H, Y590H, Y466H, Y474H, Y487H, Y491H, Y506H, Y519H.
Identifiers: ClinVar variation 3724893 (VCV003724893.2).